The following is an entry in ClinVar:

ClinVar aggregate classification (germline): Pathogenic (1 of 4 stars; one submission).

Conditions:
Melnick-Fraser syndrome (BOR). Also called: Branchiootorenal Syndrome (BORS); Branchiootorenal syndrome; Branchio-oto-renal syndrome. Identifiers: Orphanet 107, MedGen C0265234, MONDO:0007029.

Submission:

Labcorp Genetics (formerly Invitae), Labcorp
Classification: Pathogenic for Melnick-Fraser syndrome. Last evaluated: 2024-04-25. Review status: criteria provided, single submitter. Criteria: Invitae Variant Classification Sherloc (09022015). Collection method: clinical testing. Allele origin: germline.
Comment: This sequence change creates a premature translational stop signal (p.Gln183*) in the EYA1 gene. It is expected to result in an absent or disrupted protein product. Loss-of-function variants in EYA1 are known to be pathogenic (PMID: 10464653, 18220287). This variant is not present in population databases (gnomAD no frequency). This variant has not been reported in the literature in individuals affected with EYA1-related conditions. Algorithms developed to predict the effect of sequence changes on RNA splicing suggest that this variant may disrupt the consensus splice site. For these reasons, this variant has been classified as Pathogenic.

Literature cited by the submitters: PubMed 10464653; PubMed 18220287.

NM_000503.6(EYA1):c.547C>T (p.Gln183Ter)

Gene: EYA1 (EYA transcriptional coactivator and phosphatase 1; minus strand). Cytogenetic location: 8q13.3.
Variant type: single nucleotide variant.
Coding change: c.547C>T on transcript NM_000503.6 (MANE Select); coding-DNA position 547, C replaced by T.
Protein change: p.Gln183Ter; replaces glutamine 183 with a stop codon.
Molecular consequence: nonsense.
Genome position (GRCh38, 1-based): chr8:71,317,561, G>A on the plus strand (C>T on the coding strand, the complement: EYA1 is on the minus strand). VCF-style: chr8-71317561-G-A. GRCh37 (hg19) VCF-style: chr8-72229796-G-A.
Other names: c.529C>T, p.Gln177Ter (NM_001288574.2); c.181C>T, p.Gln61Ter (NM_001288575.2); c.634C>T, p.Gln212Ter (NM_001370333.1); c.547C>T, p.Gln183Ter (NM_001370334.1, NM_001370335.1, NM_172058.4); c.616C>T, p.Gln206Ter (NM_001370336.1); c.448C>T, p.Gln150Ter (NM_001411797.1, NM_172060.4); c.619C>T, p.Gln207Ter (NM_172059.5); short protein forms Q207*, Q61*, Q177*, Q150*, Q183*, Q206*, Q212*.
Identifiers: ClinVar variation 3651012 (VCV003651012.2).
Genomic context (GRCh38, chr8:71,317,561, plus strand): 5'-TTAACTATCAACCTACAGGGTTAAGGAAAATAGCAATGTGTATATACAGACCTTGCATCT[G>A]GTAGCTGTATGGTGCCTGTCCAGGTTGAGGGGTACTGAAGCTTGTGCCATAGCTGAGAAA-3'